The following is an entry in ClinVar:

NM_001909.5(CTSD):c.215A>G (p.Lys72Arg)

Genes: PRADX (PRC2 and DDX5 associated lncRNA; plus strand), CTSD (cathepsin D; minus strand). Cytogenetic location: 11p15.5.
Variant type: single nucleotide variant.
Coding change: c.215A>G on transcript NM_001909.5 (MANE Select); coding-DNA position 215, A replaced by G.
Protein change: p.Lys72Arg; replaces lysine 72 with arginine.
Molecular consequence: missense variant.
Genome position (GRCh38, 1-based): chr11:1,761,322, T>C on the plus strand (A>G on the coding strand, the complement: CTSD is on the minus strand). VCF-style: chr11-1761322-T-C. GRCh37 (hg19) VCF-style: chr11-1782552-T-C.
Other names: short protein forms K72R.
Identifiers: ClinVar variation 962818 (VCV000962818.8), dbSNP rs1307108340, ClinGen allele CA379099408.

ClinVar aggregate classification (germline): Uncertain significance (1 of 4 stars; one submission).

Conditions:
Neuronal ceroid lipofuscinosis. Also called: Neuronal Ceroid Lipofuscinoses. Identifiers: Orphanet 216, Orphanet 79263, MedGen C0027877, MONDO:0016295. Disease mechanism: loss of function.

Allele frequency attached by ClinVar (database versions not stated): gnomAD exomes below 0.00001 and 0.00002; gnomAD 0.00001 and 0.00002; TOPMed 0.00004.
gnomAD v4.1: 29 of 1,613,714 alleles (0.0018%); highest among the groups gnomAD compares: Admixed American, 0.0017%; no homozygotes.

Submission:

Labcorp Genetics (formerly Invitae), Labcorp
Classification: Uncertain significance for Neuronal ceroid lipofuscinosis. Last evaluated: 2026-01-12. Review status: criteria provided, single submitter. Criteria: Invitae Variant Classification Sherloc (09022015). Collection method: clinical testing. Allele origin: germline.
Comment: This sequence change replaces lysine, which is basic and polar, with arginine, which is basic and polar, at codon 72 of the CTSD protein (p.Lys72Arg). This variant is present in population databases (no rsID available, gnomAD 0.003%). This variant has not been reported in the literature in individuals affected with CTSD-related conditions. ClinVar contains an entry for this variant (Variation ID: 962818). Invitae Evidence Modeling of protein sequence and biophysical properties (such as structural, functional, and spatial information, amino acid conservation, physicochemical variation, residue mobility, and thermodynamic stability) indicates that this missense variant is not expected to disrupt CTSD protein function with a negative predictive value of 80%. In summary, the available evidence is currently insufficient to determine the role of this variant in disease. Therefore, it has been classified as a Variant of Uncertain Significance.